The following is an entry in ClinVar:

ClinVar aggregate classification (germline): Likely benign (1 of 4 stars; one submission).

Allele frequency attached by ClinVar (database versions not stated): gnomAD 0.00003; 1000 Genomes Project 0.00020; 1000 Genomes Project 30x 0.00031; ExAC 0.00001; TOPMed 0.00002.
gnomAD v4.1: 13 of 1,608,596 alleles (0.00081%); highest among the groups gnomAD compares: African/African-American, 0.0053%; no homozygotes.

Submission:

CeGaT Center for Human Genetics Tuebingen
Classification: Likely benign. Last evaluated: 2023-01-01. Review status: criteria provided, single submitter. Criteria: CeGaT Center For Human Genetics Tuebingen Variant Classification Criteria Version 2. Collection method: clinical testing. Allele origin: germline. Affected: yes. Observed: 1 variant allele.
Comment: GPR35: BP4, BP7

NM_005301.5(GPR35):c.33C>T (p.Ser11=)

Gene: GPR35 (G protein-coupled receptor 35; plus strand). Cytogenetic location: 2q37.3.
Variant type: single nucleotide variant.
Coding change: c.33C>T on transcript NM_005301.5 (MANE Select); coding-DNA position 33, C replaced by T.
Protein change: p.Ser11=; no amino-acid change (serine 11 retained).
Molecular consequence: synonymous variant.
Genome position (GRCh38, 1-based): chr2:240,629,985, C>T. VCF-style: chr2-240629985-C-T. GRCh37 (hg19) VCF-style: chr2-241569402-C-T.
Other names: c.126C>T, p.Ser42= (NM_001195381.3, NM_001195382.3, NM_001394730.1).
Identifiers: ClinVar variation 2652093 (VCV002652093.24), dbSNP rs548753085, ClinGen allele CA2206180.